The following is an entry in ClinVar:

ClinVar aggregate classification (germline): Conflicting classifications of pathogenicity. Review status: criteria provided, conflicting classifications (1 of 4 stars). 11 submissions from 11 submitters: Pathogenic (2); Likely pathogenic (1); Uncertain significance (4). 4 of the submissions do not count toward it. Last evaluated 2026-04-23.

Conditions:
Combined oxidative phosphorylation defect type 21. Also called: Combined oxidative phosphorylation deficiency 21. Identifiers: Orphanet 420733, MedGen C4706316, MONDO:0014398, OMIM 615918.

Allele frequency attached by ClinVar (database versions not stated): gnomAD 0.00042 and 0.00040; gnomAD exomes 0.00058 and 0.00035; ExAC 0.00035; ESP Exome Variant Server 0.00031; TOPMed 0.00054.
gnomAD v4.1: 910 of 1,613,376 alleles (0.056%); highest among the groups gnomAD compares: Non-Finnish European, 0.068%; no homozygotes.

Submissions (11):

GeneDx
Classification: Uncertain significance. Last evaluated: 2026-04-23. Review status: criteria provided, single submitter. Criteria: GeneDx Variant Classification Process June 2021. Collection method: clinical testing. Allele origin: germline.
Comment: Published functional studies suggest a damaging effect as aminoacylation assays showed decreased activity compared with wild type (PMID: 34508595); In silico analysis suggests that this missense variant does not alter protein structure/function; This variant is associated with the following publications: (PMID: 37669377, 36218002, 34508595, 35586607, 37454282)

Greenwood Genetic Center Diagnostic Laboratories, Greenwood Genetic Center
Classification: Likely pathogenic for Combined oxidative phosphorylation defect type 21. Last evaluated: 2025-12-17. Review status: criteria provided, single submitter. Criteria: ACMG Guidelines, 2015. Collection method: clinical testing. Allele origin: germline. Affected: yes.
Comment: PS3, PM3

Unidad de Genómica Garrahan, Hospital de Pediatría Garrahan
Classification: Pathogenic for Combined oxidative phosphorylation defect type 21. Last evaluated: 2024-10-10. Review status: criteria provided, single submitter. Criteria: ACMG Guidelines, 2015. Collection method: clinical testing. Allele origin: maternal. Inheritance: Autosomal recessive inheritance. Affected: yes. Observed: 1 variant allele, 1 compound heterozygote.
Comment: The missense variant NM_025150.5:c.773C>T was identified in a heterozygous state within exon 7 of the TARS2 gene. This variant results in a serine-to-leucine substitution at position 258 p.(Ser258Leu), a location that overlaps with a splice donor site. While the population frequency for this variant is low but present (0.05%), no homozygous individuals have been identified in the general population. The variant has several entries in ClinVar associating it with Combined Oxidative Phosphorylation Deficiency (ClinVar VCV001030907.41). Furthermore, it has been reported in affected patients in a compound heterozygous state with other pathogenic variants, as well as in a homozygous case (PMID: 37454282, 34508595). Functional assays have demonstrated that the variant likely leads to protein instability and/or degradation (PMID: 34508595). Additionally, most in silico prediction tools indicate a deleterious effect associated with a splicing defect (Ada score: 1; RF score: 0.74). This variant was detected in a heterozygous state alongside a second pathogenic variant, NM_025150.5:c.1285C>T p.(Arg429*). Criteria: PS3supporting, PM3verystrong, PP3supporting

Victorian Clinical Genetics Services, Murdoch Childrens Research Institute
Classification: Pathogenic for Combined oxidative phosphorylation defect type 21. Last evaluated: 2024-10-09. Review status: criteria provided, single submitter. Criteria: ACMG Guidelines, 2015. Collection method: clinical testing. Allele origin: germline. Inheritance: Autosomal recessive inheritance. Affected: yes.
Comment: Updated: Based on the classification scheme VCGS_Germline_v1.3.4, this variant is classified as Pathogenic. Following criteria are met: 0102 - Loss of function is a known mechanism of disease in this gene and is associated with combined oxidative phosphorylation deficiency 21 (MIM#615918). (I) 0106 - This gene is associated with autosomal recessive disease. (I) 0200 - Variant is predicted to result in a missense amino acid change from serine to leucine. (I) 0251 - This variant is heterozygous. (I) 0304 - Variant is present in gnomAD <0.01 for a recessive condition (v2: 98 heterozygotes, 0 homozygotes). (SP) 0502 - Missense variant with conflicting in silico predictions and uninformative conservation. (I) 0600 - Variant is located in the annotated tRNA_SAD domain (DECIPHER). (I) 0705 - No comparable missense variants have previous evidence for pathogenicity. (I) 0801 - This variant has strong previous evidence of pathogenicity in unrelated individuals. This variant has been observed in both compound heterozygous and homozygous individuals with TARS2-related features (PMIDs: 34508595, 37454282). This variant has also been classified as VUS and likely pathogenic in ClinVar. (SP) 1002 - This variant has moderate functional evidence supporting abnormal protein function. p.(Ser258Leu) had decreased amino acid activation, aminoacylation and steady state level, as well as increased binding affinity compared to WT (PMID: 34508595). (I) Legend: (SP) - Supporting pathogenic, (I) - Information, (SB) - Supporting benign

Labcorp Genetics (formerly Invitae), Labcorp
Classification: Uncertain significance. Last evaluated: 2023-12-07. Review status: criteria provided, single submitter. Criteria: Invitae Variant Classification Sherloc (09022015). Collection method: clinical testing. Allele origin: germline.
Comment: This sequence change replaces serine, which is neutral and polar, with leucine, which is neutral and non-polar, at codon 258 of the TARS2 protein (p.Ser258Leu). This variant is present in population databases (rs145039072, gnomAD 0.05%). This missense change has been observed in individual(s) with autosomal recessive mitochondrial encephalomypathy (PMID: 34508595). ClinVar contains an entry for this variant (Variation ID: 1030907). An algorithm developed to predict the effect of missense changes on protein structure and function (PolyPhen-2) suggests that this variant¬†is likely to be tolerated. Experimental studies have shown that this missense change affects TARS2 function (PMID: 34508595). In summary, the available evidence is currently insufficient to determine the role of this variant in disease. Therefore, it has been classified as a Variant of Uncertain Significance.

Baylor Genetics
Classification: Uncertain significance for Combined oxidative phosphorylation defect type 21. Last evaluated: 2020-09-09. Review status: criteria provided, single submitter. Criteria: ACMG Guidelines, 2015. Collection method: clinical testing. Allele origin: unknown. Affected: yes.
Comment: This variant was determined to be of uncertain significance according to ACMG Guidelines, 2015 [PMID:25741868].

Breakthrough Genomics
Classification: Uncertain significance. Review status: criteria provided, single submitter. Criteria: ACMG Guidelines, 2015. Collection method: not provided. Allele origin: germline. Inheritance: Autosomal recessive inheritance. Affected: yes.

Undiagnosed Diseases Network, NIH
Classification: Likely pathogenic for Combined oxidative phosphorylation defect type 21. Last evaluated: 2024-05-16. Review status: no assertion criteria provided. Collection method: clinical testing. Allele origin: maternal. Affected: yes. Observed: 1 variant allele, 1 compound heterozygote. Study: Undiagnosed Diseases Network (NIH), UDN. Not counted in ClinVar's aggregate classification.

OMIM
Classification: Pathogenic for COMBINED OXIDATIVE PHOSPHORYLATION DEFICIENCY 21. Last evaluated: 2024-04-01. Review status: no assertion criteria provided. Collection method: literature only. Allele origin: germline. Not counted in ClinVar's aggregate classification.

Department of Clinical Genetics, Copenhagen University Hospital, Rigshospitalet
Classification: Likely pathogenic for Combined oxidative phosphorylation defect type 21. Review status: no assertion criteria provided. Collection method: clinical testing. Allele origin: inherited. Affected: yes. Not counted in ClinVar's aggregate classification.

Houlden Lab, UCL Institute of Neurology
Classification: Uncertain significance for Combined oxidative phosphorylation defect type 21. Review status: no assertion criteria provided. Collection method: research. Allele origin: germline. Affected: yes. Not counted in ClinVar's aggregate classification.
Comment: This variant was identified in a compound heterozygous state with another TARS2 variant (c.1534G>A) for this condition.

Literature cited by the submitters: PubMed 37454282 (cited by Unidad de Genómica Garrahan, Hospital de Pediatría Garrahan and Victorian Clinical Genetics Services, Murdoch Childrens Research Institute); PubMed 34508595 (cited by 4 submitters).

NM_025150.5(TARS2):c.773C>T (p.Ser258Leu)

Gene: TARS2 (threonyl-tRNA synthetase 2, mitochondrial; plus strand). Cytogenetic location: 1q21.2.
Variant type: single nucleotide variant.
Coding change: c.773C>T on transcript NM_025150.5 (MANE Select); coding-DNA position 773, C replaced by T.
Protein change: p.Ser258Leu; replaces serine 258 with leucine.
Molecular consequence: missense variant. On other transcripts: non-coding transcript variant (2), intron variant (1).
Genome position (GRCh38, 1-based): chr1:150,492,488, C>T. VCF-style: chr1-150492488-C-T. GRCh37 (hg19) VCF-style: chr1-150464964-C-T.
Other names: p.Ser258Leu; c.773C>T, p.Ser258Leu (NM_001271895.2); c.630+977C>T (NM_001271896.2); short protein forms S258L.
Identifiers: ClinVar variation 1030907 (VCV001030907.44), dbSNP rs145039072, ClinGen allele CA1076798.
Genomic context (GRCh38, chr1:150,492,488, plus strand): 5'-ACCTTTGCCAGGGCCCCCACCTTCGGCATACTGGACAGATTGGAGGACTGAAGCTGCTAT[C>T]GGTCAGTTGTGGGACAGAGTTAGGTTAAGATTCCTATTTTGAGCCGGGCATGGTGGCTCA-3'
Protein context (NP_079426.2, residues 248-268): TGQIGGLKLL[Ser258Leu]NSSSLWRSSG